The following is an entry in ClinVar:

NM_001042492.3(NF1):c.4034A>G (p.Lys1345Arg)

Gene: NF1 (neurofibromin 1; plus strand). Cytogenetic location: 17q11.2.
Variant type: single nucleotide variant.
Coding change: c.4034A>G on transcript NM_001042492.3 (MANE Select); coding-DNA position 4034, A replaced by G.
Protein change: p.Lys1345Arg; replaces lysine 1345 with arginine.
Molecular consequence: missense variant.
Genome position (GRCh38, 1-based): chr17:31,249,043, A>G. VCF-style: chr17-31249043-A-G. GRCh37 (hg19) VCF-style: chr17-29576061-A-G.
Other names: c.4034A>G, p.Lys1345Arg (NM_000267.4); short protein forms K1345R.
Identifiers: ClinVar variation 1737226 (VCV001737226.8), dbSNP rs2067449413, ClinGen allele CA398994937.

ClinVar aggregate classification (germline): Uncertain significance. Review status: criteria provided, multiple submitters, no conflicts (2 of 4 stars). 3 submissions from 3 submitters: Uncertain significance (3). Last evaluated 2025-09-07.

Conditions:
Juvenile myelomonocytic leukemia (JMML). Also called: LEUKEMIA, JUVENILE MYELOMONOCYTIC, SOMATIC. Identifiers: Orphanet 86834, MedGen C0349639, MONDO:0011908, OMIM 607785, HP:0012209.
Neurofibromatosis, type 1 (NF1). Also called: VON RECKLINGHAUSEN DISEASE; NEUROFIBROMATOSIS, TYPE I, SOMATIC; Neurofibromatosis, type I; Peripheral type neurofibromatosis. Identifiers: Orphanet 636, MedGen C0027831, MONDO:0018975, OMIM 162200. Disease mechanism: loss of function.
Cardiovascular phenotype. Identifiers: MedGen CN230736.
Hereditary cancer-predisposing syndrome. Also called: Neoplastic Syndromes, Hereditary; Tumor predisposition; Hereditary Cancer Syndrome; Hereditary neoplastic syndrome. Identifiers: Orphanet 140162, MedGen C0027672, MeSH D009386, MONDO:0015356.

Allele frequency attached by ClinVar (database versions not stated): TOPMed below 0.00001.

Submissions (3):

Labcorp Genetics (formerly Invitae), Labcorp
Classification: Uncertain significance for Neurofibromatosis, type 1. Last evaluated: 2025-09-07. Review status: criteria provided, single submitter. Criteria: Invitae Variant Classification Sherloc (09022015). Collection method: clinical testing. Allele origin: germline.
Comment: This sequence change replaces lysine, which is basic and polar, with arginine, which is basic and polar, at codon 1345 of the NF1 protein (p.Lys1345Arg). This variant is not present in population databases (gnomAD no frequency). This variant has not been reported in the literature in individuals affected with NF1-related conditions. ClinVar contains an entry for this variant (Variation ID: 1737226). Invitae Evidence Modeling of protein sequence and biophysical properties (such as structural, functional, and spatial information, amino acid conservation, physicochemical variation, residue mobility, and thermodynamic stability) indicates that this missense variant is not expected to disrupt NF1 protein function with a negative predictive value of 95%. In summary, the available evidence is currently insufficient to determine the role of this variant in disease. Therefore, it has been classified as a Variant of Uncertain Significance.

Baylor Genetics
Classification: Uncertain significance for Juvenile myelomonocytic leukemia. Last evaluated: 2023-08-25. Review status: criteria provided, single submitter. Criteria: ACMG Guidelines, 2015. Collection method: clinical testing. Allele origin: unknown.

Ambry Genetics
Classification: Uncertain significance for Cardiovascular phenotype; Hereditary cancer-predisposing syndrome. Last evaluated: 2020-01-08. Review status: criteria provided, single submitter. Criteria: Ambry Variant Classification Scheme 2023. Collection method: clinical testing. Allele origin: germline.
Comment: The p.K1345R variant (also known as c.4034A>G), located in coding exon 30 of the NF1 gene, results from an A to G substitution at nucleotide position 4034. The lysine at codon 1345 is replaced by arginine, an amino acid with highly similar properties. This amino acid position is well conserved in available vertebrate species. In addition, this alteration is predicted to be tolerated by in silico analysis. Since supporting evidence is limited at this time, the clinical significance of this alteration remains unclear.